The following is an entry in ClinVar:

NM_000059.4(BRCA2):c.1587delinsCA

Gene: BRCA2 (BRCA2 DNA repair associated; plus strand). Cytogenetic location: 13q13.1.
Variant type: Indel.
Coding change: c.1587delinsCA on transcript NM_000059.4 (MANE Select); coding-DNA position 1587, T replaced by CA.
Genome position (GRCh38, 1-based): chr13:32,333,065, T replaced by CA. VCF-style: chr13-32333065-T-CA. GRCh37 (hg19) VCF-style: chr13-32907202-T-CA.
Other names: 1815delTinsCA; c.1587delinsCA, p.Glu532fs (LRG_293t1).
Identifiers: ClinVar variation 266646 (VCV000266646.10), dbSNP rs886040376, ClinGen allele CA10589105.

ClinVar aggregate classification (germline): Pathogenic. Review status: reviewed by expert panel (3 of 4 stars). 4 submissions from 4 submitters: Pathogenic (1). 3 of the submissions do not count toward it. Last evaluated 2016-10-18.

Conditions:
Hereditary cancer-predisposing syndrome. Also called: Tumor predisposition; Neoplastic Syndromes, Hereditary; Hereditary neoplastic syndrome; Hereditary Cancer Syndrome. Identifiers: Orphanet 140162, MedGen C0027672, MeSH D009386, MONDO:0015356.
Breast-ovarian cancer, familial, susceptibility to, 2 (BROVCA2). Also called: BRCA2 Hereditary Breast and Ovarian Cancer. Identifiers: Orphanet 145, MedGen C2675520, MONDO:0012933, OMIM 612555. Disease mechanism: loss of function.

Submissions (4):

Evidence-based Network for the Interpretation of Germline Mutant Alleles (ENIGMA)
Classification: Pathogenic for Breast-ovarian cancer, familial, susceptibility to, 2. Last evaluated: 2016-10-18. Review status: reviewed by expert panel. Criteria: ENIGMA BRCA1/2 Classification Criteria (2015). Collection method: curation. Allele origin: germline.
Comment: Variant allele predicted to encode a truncated non-functional protein.

Molecular Diagnostics Laboratory, Catalan Institute of Oncology
Classification: Pathogenic for Hereditary cancer-predisposing syndrome. Last evaluated: 2025-02-03. Review status: criteria provided, single submitter. Criteria: ClinGen BRCA1BRCA2 ACMG Specifications BRCA2 V1.0.0. Collection method: clinical testing. Allele origin: germline. Not counted in ClinVar's aggregate classification.
Comment: PVS1, PM5_PTC_Strong c.1587delinsCA, located in exon 10 of the BRCA2 gene, consists in the deletion of a nucleotide and a insertion of two nucleotides, causing a translational frameshift with a predicted alternate stop codon, p.(Glu532Argfs*3). This alteration is expected to result in loss of function because the resulting coding sequence is not preserved (PVS1, PM5_PTC_Strong). It is not present in the population database gnomAD v2.1.1, non-cancer dataset. The SpliceAI algorithm predicts no significant impact on splicing. To our knowledge, functional studies have not been performed for this variant. This variant has been reported in the ClinVar database (2x Pathogenic) and classified as a pathogenic variant in BRCA Exchange database (“2016-10-18: Variant allele predicted to encode a truncated non-functional protein”) and in the LOVD database (3x pathogenic). Based on currently available information, the variant c.1587delinsCA is classified as a pathogenic variant according to ClinGen-BRCA1 and BRCA2 Guidelines version 1.0.0.

Color Diagnostics, LLC DBA Color Health
Classification: Pathogenic for Hereditary cancer-predisposing syndrome. Last evaluated: 2023-01-09. Review status: criteria provided, single submitter. Criteria: ACMG Guidelines, 2015. Collection method: clinical testing. Allele origin: germline. Not counted in ClinVar's aggregate classification.
Comment: This variant replaces one nucleotide with two different nucleotides in exon 10 of the BRCA2 gene, creating a frameshift and premature translation stop signal. This variant is expected to result in an absent or non-functional protein product. This variant has been reported in related individuals affected with breast cancer, colorectal cancer, and gastric cancer (PMID: 36232793). One of the individuals affected with breast cancer also carried a pathogenic variant in the BRCA1 gene that could explain the phenotype (PMID: 36232793). This variant has not been identified in the general population by the Genome Aggregation Database (gnomAD). Loss of BRCA2 function is a known mechanism of disease. Based on the available evidence, this variant is classified as Pathogenic.

Consortium of Investigators of Modifiers of BRCA1/2 (CIMBA), c/o University of Cambridge
Classification: Pathogenic for Breast-ovarian cancer, familial, susceptibility to, 2. Last evaluated: 2015-10-02. Review status: criteria provided, single submitter. Criteria: CIMBA Mutation Classification guidelines May 2016. Collection method: clinical testing. Allele origin: germline. Not counted in ClinVar's aggregate classification.

Literature cited by the submitters: PubMed 36232793 (cited by Color Diagnostics, LLC DBA Color Health).